The following is an entry in ClinVar:

NM_002691.4(POLD1):c.458C>T (p.Pro153Leu)

Gene: POLD1 (DNA polymerase delta 1, catalytic subunit; plus strand). Cytogenetic location: 19q13.33.
Variant type: single nucleotide variant.
Coding change: c.458C>T on transcript NM_002691.4 (MANE Select); coding-DNA position 458, C replaced by T.
Protein change: p.Pro153Leu; replaces proline 153 with leucine.
Molecular consequence: missense variant. On other transcripts: non-coding transcript variant (1).
Genome position (GRCh38, 1-based): chr19:50,401,919, C>T. VCF-style: chr19-50401919-C-T. GRCh37 (hg19) VCF-style: chr19-50905176-C-T.
Other names: c.458C>T, p.Pro153Leu (NM_001256849.1, NM_001308632.1); c.458C>T (NM_002691.2); short protein forms P153L.
Identifiers: ClinVar variation 469353 (VCV000469353.9), dbSNP rs1555789813, ClinGen allele CA406972786.

ClinVar aggregate classification (germline): Conflicting classifications of pathogenicity. Review status: criteria provided, conflicting classifications (1 of 4 stars). 2 submissions from 2 submitters: Uncertain significance (1); Likely benign (1). Last evaluated 2026-04-17.

Conditions:
Hereditary cancer-predisposing syndrome. Also called: Neoplastic Syndromes, Hereditary; Hereditary neoplastic syndrome; Tumor predisposition; Hereditary Cancer Syndrome. Identifiers: Orphanet 140162, MedGen C0027672, MeSH D009386, MONDO:0015356.
POLD1-related polyposis and colorectal cancer syndrome (CRCS10). Also called: Colorectal cancer 10; COLORECTAL CANCER, SUSCEPTIBILITY TO, ON CHROMOSOME 19q; Colorectal cancer, susceptibility to, 10. Identifiers: Orphanet 220460, MedGen C2675481, MONDO:0012953, OMIM 612591.

Allele frequency attached by ClinVar (database versions not stated): gnomAD exomes below 0.00001.
gnomAD v4.1: 1 of 1,614,074 alleles (0.000062%); highest among the groups gnomAD compares: Non-Finnish European, 0.000085%; no homozygotes.

Submissions (2):

Ambry Genetics
Classification: Likely benign for Hereditary cancer-predisposing syndrome. Last evaluated: 2026-04-17. Review status: criteria provided, single submitter. Criteria: Ambry Variant Classification Scheme 2023. Collection method: clinical testing. Allele origin: germline.

Labcorp Genetics (formerly Invitae), Labcorp
Classification: Uncertain significance for POLD1-related polyposis and colorectal cancer syndrome. Last evaluated: 2025-01-08. Review status: criteria provided, single submitter. Criteria: Invitae Variant Classification Sherloc (09022015). Collection method: clinical testing. Allele origin: germline.
Comment: This sequence change replaces proline, which is neutral and non-polar, with leucine, which is neutral and non-polar, at codon 153 of the POLD1 protein (p.Pro153Leu). This variant is not present in population databases (gnomAD no frequency). This variant has not been reported in the literature in individuals affected with POLD1-related conditions. ClinVar contains an entry for this variant (Variation ID: 469353). Invitae Evidence Modeling of protein sequence and biophysical properties (such as structural, functional, and spatial information, amino acid conservation, physicochemical variation, residue mobility, and thermodynamic stability) indicates that this missense variant is not expected to disrupt POLD1 protein function with a negative predictive value of 80%. In summary, the available evidence is currently insufficient to determine the role of this variant in disease. Therefore, it has been classified as a Variant of Uncertain Significance.